The following is an entry in ClinVar:

NM_020533.3(MCOLN1):c.762T>G (p.Tyr254Ter)

Gene: MCOLN1 (mucolipin TRP cation channel 1; plus strand). Cytogenetic location: 19p13.2.
Variant type: single nucleotide variant.
Coding change: c.762T>G on transcript NM_020533.3 (MANE Select); coding-DNA position 762, T replaced by G.
Protein change: p.Tyr254Ter; replaces tyrosine 254 with a stop codon.
Molecular consequence: nonsense.
Genome position (GRCh38, 1-based): chr19:7,527,945, T>G. VCF-style: chr19-7527945-T-G. GRCh37 (hg19) VCF-style: chr19-7592831-T-G.
Other names: short protein forms Y254*.
Identifiers: ClinVar variation 2102536 (VCV002102536.4), dbSNP rs1324976737, ClinGen allele CA403084287.

ClinVar aggregate classification (germline): Pathogenic (1 of 4 stars; one submission).

Conditions:
Mucolipidosis type IV (ML4). Also called: ML IV. Identifiers: Orphanet 578, MedGen C0238286, MONDO:0009653, OMIM 252650.

Submission:

Labcorp Genetics (formerly Invitae), Labcorp
Classification: Pathogenic for Mucolipidosis type IV. Last evaluated: 2022-04-08. Review status: criteria provided, single submitter. Criteria: Invitae Variant Classification Sherloc (09022015). Collection method: clinical testing. Allele origin: germline.
Comment: For these reasons, this variant has been classified as Pathogenic. This variant has not been reported in the literature in individuals affected with MCOLN1-related conditions. This variant is not present in population databases (gnomAD no frequency). This sequence change creates a premature translational stop signal (p.Tyr254*) in the MCOLN1 gene. It is expected to result in an absent or disrupted protein product. Loss-of-function variants in MCOLN1 are known to be pathogenic (PMID: 11030752, 11317355).

Literature cited by the submitters: PubMed 11030752; PubMed 11317355.